The following is an entry in ClinVar:

NM_001100913.3(PACS2):c.1462G>A (p.Asp488Asn)

Gene: PACS2 (phosphofurin acidic cluster sorting protein 2; plus strand). Cytogenetic location: 14q32.33.
Variant type: single nucleotide variant.
Coding change: c.1462G>A on transcript NM_001100913.3 (MANE Select); coding-DNA position 1462, G replaced by A.
Protein change: p.Asp488Asn; replaces aspartic acid 488 with asparagine.
Molecular consequence: missense variant.
Genome position (GRCh38, 1-based): chr14:105,382,525, G>A. VCF-style: chr14-105382525-G-A. GRCh37 (hg19) VCF-style: chr14-105848862-G-A.
Other names: c.1225G>A, p.Asp409Asn (NM_001243127.3); c.1450G>A, p.Asp484Asn (NM_015197.4); short protein forms D409N, D484N, D488N.
Identifiers: ClinVar variation 1357987 (VCV001357987.6), dbSNP rs781870630, ClinGen allele CA7388828.
Genomic context (GRCh38, chr14:105,382,525, plus strand): 5'-CTGTGCCTCCAGATCCCCAGGAAGACTGTGTATGACCAGCTCAACCACATCCTCATCTCC[G>A]ATGACCAGCTTCCCGAAAACATCATCCTTGTCAACACCTCGGACTGGCAGGGGCAGGTAG-3'
Protein context (NP_001094383.2, residues 478-498): YDQLNHILIS[Asp488Asn]DQLPENIILV

ClinVar aggregate classification (germline): Uncertain significance (1 of 4 stars; one submission).

Allele frequency attached by ClinVar (database versions not stated): ExAC 0.00001; gnomAD 0.00001; TOPMed 0.00001.
gnomAD v4.1: 23 of 1,613,364 alleles (0.0014%); highest among the groups gnomAD compares: East Asian, 0.0022%; no homozygotes.

Submission:

Labcorp Genetics (formerly Invitae), Labcorp
Classification: Uncertain significance. Last evaluated: 2023-07-07. Review status: criteria provided, single submitter. Criteria: Invitae Variant Classification Sherloc (09022015). Collection method: clinical testing. Allele origin: germline.
Comment: In summary, the available evidence is currently insufficient to determine the role of this variant in disease. Therefore, it has been classified as a Variant of Uncertain Significance. Advanced modeling of protein sequence and biophysical properties (such as structural, functional, and spatial information, amino acid conservation, physicochemical variation, residue mobility, and thermodynamic stability) performed at Invitae indicates that this missense variant is not expected to disrupt PACS2 protein function. ClinVar contains an entry for this variant (Variation ID: 1357987). This variant has not been reported in the literature in individuals affected with PACS2-related conditions. This variant is present in population databases (rs781870630, gnomAD 0.006%). This sequence change replaces aspartic acid, which is acidic and polar, with asparagine, which is neutral and polar, at codon 488 of the PACS2 protein (p.Asp488Asn).